The following is an entry in ClinVar:

ClinVar aggregate classification (germline): Uncertain significance. Review status: criteria provided, multiple submitters, no conflicts (2 of 4 stars). 6 submissions from 6 submitters: Uncertain significance (6). Last evaluated 2025-12-10.

Conditions:
Hereditary cancer-predisposing syndrome. Also called: Neoplastic Syndromes, Hereditary; Tumor predisposition; Hereditary neoplastic syndrome; Hereditary Cancer Syndrome. Identifiers: Orphanet 140162, MedGen C0027672, MeSH D009386, MONDO:0015356.
Cardiovascular phenotype. Identifiers: MedGen CN230736.
LZTR1-related schwannomatosis. Also called: Schwannomatosis 2; Schwannomatosis-2, susceptibility to. Identifiers: Orphanet 93921, MedGen C3810283, MONDO:0014299, OMIM 615670.

Allele frequency attached by ClinVar (database versions not stated): gnomAD exomes 0.00002 and 0.00001; TOPMed 0.00002; gnomAD 0.00003; ExAC 0.00002; ESP Exome Variant Server 0.00008.
gnomAD v4.1: 18 of 1,614,002 alleles (0.0011%); highest among the groups gnomAD compares: South Asian, 0.0044%; no homozygotes.

Submissions (6):

Labcorp Genetics (formerly Invitae), Labcorp
Classification: Uncertain significance. Last evaluated: 2025-12-10. Review status: criteria provided, single submitter. Criteria: Invitae Variant Classification Sherloc (09022015). Collection method: clinical testing. Allele origin: germline.
Comment: This sequence change replaces glutamic acid, which is acidic and polar, with lysine, which is basic and polar, at codon 223 of the LZTR1 protein (p.Glu223Lys). This variant is present in population databases (rs369204535, gnomAD 0.004%). This variant has not been reported in the literature in individuals affected with LZTR1-related conditions. ClinVar contains an entry for this variant (Variation ID: 956827). Invitae Evidence Modeling of protein sequence and biophysical properties (such as structural, functional, and spatial information, amino acid conservation, physicochemical variation, residue mobility, and thermodynamic stability) indicates that this missense variant is not expected to disrupt LZTR1 protein function with a negative predictive value of 80%. In summary, the available evidence is currently insufficient to determine the role of this variant in disease. Therefore, it has been classified as a Variant of Uncertain Significance.

Ambry Genetics
Classification: Uncertain significance for Cardiovascular phenotype; Hereditary cancer-predisposing syndrome. Last evaluated: 2025-05-19. Review status: criteria provided, single submitter. Criteria: Ambry Variant Classification Scheme 2023. Collection method: clinical testing. Allele origin: germline.

Women's Health and Genetics/Laboratory Corporation of America, LabCorp
Classification: Uncertain significance. Last evaluated: 2024-02-04. Review status: criteria provided, single submitter. Criteria: LabCorp Variant Classification Summary - May 2015. Collection method: clinical testing. Allele origin: germline.

Baylor Genetics
Classification: Uncertain significance for LZTR1-related schwannomatosis. Last evaluated: 2023-10-31. Review status: criteria provided, single submitter. Criteria: ACMG Guidelines, 2015. Collection method: clinical testing. Allele origin: unknown.

GeneDx
Classification: Uncertain significance. Last evaluated: 2023-07-12. Review status: criteria provided, single submitter. Criteria: GeneDx Variant Classification Process June 2021. Collection method: clinical testing. Allele origin: germline. Affected: yes.
Comment: Not observed at significant frequency in large population cohorts (gnomAD); In silico analysis supports that this missense variant does not alter protein structure/function; Has not been previously published as pathogenic or benign to our knowledge

Blueprint Genetics
Classification: Uncertain significance. Last evaluated: 2021-12-31. Review status: criteria provided, single submitter. Criteria: ACMG Guidelines, 2015. Collection method: clinical testing. Allele origin: germline.

NM_006767.4(LZTR1):c.667G>A (p.Glu223Lys)

Gene: LZTR1 (leucine zipper like post translational regulator 1; plus strand). Cytogenetic location: 22q11.21.
Variant type: single nucleotide variant.
Coding change: c.667G>A on transcript NM_006767.4 (MANE Select); coding-DNA position 667, G replaced by A.
Protein change: p.Glu223Lys; replaces glutamic acid 223 with lysine.
Molecular consequence: missense variant.
Genome position (GRCh38, 1-based): chr22:20,990,401, G>A. VCF-style: chr22-20990401-G-A. GRCh37 (hg19) VCF-style: chr22-21344690-G-A.
Other names: short protein forms E223K.
Identifiers: ClinVar variation 956827 (VCV000956827.16), dbSNP rs369204535, ClinGen allele CA10118586.